The following is an entry in ClinVar:

ClinVar aggregate classification (germline): Uncertain significance. Review status: criteria provided, multiple submitters, no conflicts (2 of 4 stars). 2 submissions from 2 submitters: Uncertain significance (2). Last evaluated 2023-11-08.

Conditions:
Houge-Janssens syndrome 1. Also called: INTELLECTUAL DEVELOPMENTAL DISORDER, AUTOSOMAL DOMINANT 35; Intellectual disability-macrocephaly-hypotonia-behavioral abnormalities syndrome; Hogue-Janssens syndrome 1; PPP2R5D-Related Neurodevelopmental Disorder. Identifiers: Orphanet 457279, MedGen C5779996, MONDO:0014602, OMIM 616355.

Allele frequency attached by ClinVar (database versions not stated): gnomAD 0.00001; gnomAD exomes 0.00001; TOPMed 0.00002.
gnomAD v4.1: 16 of 1,613,116 alleles (0.00099%); highest among the groups gnomAD compares: Non-Finnish European, 0.0014%; no homozygotes.

Submissions (2):

Labcorp Genetics (formerly Invitae), Labcorp
Classification: Uncertain significance. Last evaluated: 2023-11-08. Review status: criteria provided, single submitter. Criteria: Invitae Variant Classification Sherloc (09022015). Collection method: clinical testing. Allele origin: germline.
Comment: This sequence change replaces glutamic acid, which is acidic and polar, with alanine, which is neutral and non-polar, at codon 34 of the PPP2R5D protein (p.Glu34Ala). This variant is not present in population databases (gnomAD no frequency). This variant has not been reported in the literature in individuals affected with PPP2R5D-related conditions. ClinVar contains an entry for this variant (Variation ID: 1034257). An algorithm developed to predict the effect of missense changes on protein structure and function (PolyPhen-2) suggests that this variant is likely to be tolerated. In summary, the available evidence is currently insufficient to determine the role of this variant in disease. Therefore, it has been classified as a Variant of Uncertain Significance.

Baylor Genetics
Classification: Uncertain significance for Houge-Janssens syndrome 1. Last evaluated: 2018-02-26. Review status: criteria provided, single submitter. Criteria: ACMG Guidelines, 2015. Collection method: clinical testing. Allele origin: maternal. Affected: yes.
Comment: This variant was determined to be of uncertain significance according to ACMG Guidelines, 2015 [PMID:25741868].

NM_006245.4(PPP2R5D):c.101A>C (p.Glu34Ala)

Gene: PPP2R5D (protein phosphatase 2 regulatory subunit B'delta; plus strand). Cytogenetic location: 6p21.1.
Variant type: single nucleotide variant.
Coding change: c.101A>C on transcript NM_006245.4 (MANE Select); coding-DNA position 101, A replaced by C.
Protein change: p.Glu34Ala; replaces glutamic acid 34 with alanine.
Molecular consequence: missense variant. On other transcripts: 5 prime UTR variant (1), intron variant (1).
Genome position (GRCh38, 1-based): chr6:42,989,684, A>C. VCF-style: chr6-42989684-A-C. GRCh37 (hg19) VCF-style: chr6-42957422-A-C.
Other names: c.-370A>C (NM_001270476.2); c.101A>C, p.Glu34Ala (NM_180976.3); c.27+4980A>C (NM_180977.3); short protein forms E34A.
Identifiers: ClinVar variation 1034257 (VCV001034257.7), dbSNP rs1241116131, ClinGen allele CA364175108.